The following is an entry in ClinVar:

ClinVar aggregate classification (germline): Benign. Review status: criteria provided, multiple submitters, no conflicts (2 of 4 stars). 2 submissions from 2 submitters: Benign (2). Last evaluated 2026-02-01.

Conditions:
Mendelian susceptibility to mycobacterial diseases due to complete IL12B deficiency. Also called: IL12B DEFICIENCY; Immunodeficiency 29. Identifiers: Orphanet 319558, MedGen C4013948, MONDO:0013954, OMIM 614890.

Allele frequency attached by ClinVar (database versions not stated): ESP Exome Variant Server 0.01884; gnomAD exomes 0.00423; ExAC 0.00518; 1000 Genomes Project 0.01538; gnomAD 0.01644 and 0.01764; 1000 Genomes Project 30x 0.01686; TOPMed 0.01796.
gnomAD v4.1: 4,914 of 1,611,924 alleles (0.3%); highest among the groups gnomAD compares: African/African-American, 5.7%; 134 homozygotes.

Submissions (2):

Labcorp Genetics (formerly Invitae), Labcorp
Classification: Benign for Mendelian susceptibility to mycobacterial diseases due to complete IL12B deficiency. Last evaluated: 2026-02-01. Review status: criteria provided, single submitter. Criteria: Invitae Variant Classification Sherloc (09022015). Collection method: clinical testing. Allele origin: germline.

Illumina Laboratory Services, Illumina
Classification: Benign for Mendelian susceptibility to mycobacterial diseases due to complete IL12B deficiency. Last evaluated: 2018-01-13. Review status: criteria provided, single submitter. Criteria: ICSL Variant Classification Criteria 13 December 2019. Collection method: clinical testing. Allele origin: germline.
Comment: This variant was observed in the ICSL laboratory as part of a predisposition screen in an ostensibly healthy population. It had not been previously curated by ICSL or reported in the Human Gene Mutation Database (HGMD: prior to June 1st, 2018), and was therefore a candidate for classification through an automated scoring system. Utilizing variant allele frequency, disease prevalence and penetrance estimates, and inheritance mode, an automated score was calculated to assess if this variant is too frequent to cause the disease. Based on the score and internal cut-off values, a variant classified as benign is not then subjected to further curation. The score for this variant resulted in a classification of benign for this disease.

NM_002187.3(IL12B):c.483-8G>C

Gene: IL12B (interleukin 12B; minus strand). Cytogenetic location: 5q33.3.
Variant type: single nucleotide variant.
Coding change: c.483-8G>C on transcript NM_002187.3 (MANE Select); 8 bases into the intron before coding-DNA position 483, G replaced by C.
Molecular consequence: intron variant.
Genome position (GRCh38, 1-based): chr5:159,320,528, C>G on the plus strand (G>C on the coding strand, the complement: IL12B is on the minus strand). VCF-style: chr5-159320528-C-G. GRCh37 (hg19) VCF-style: chr5-158747536-C-G.
Identifiers: ClinVar variation 352576 (VCV000352576.15), dbSNP rs3213099, ClinGen allele CA3538779.